The following is an entry in ClinVar:

ClinVar aggregate classification (germline): Benign (1 of 4 stars; one submission).

Conditions:
Congenital defect of folate absorption. Also called: Hereditary Folate Malabsorption. Identifiers: Orphanet 90045, MedGen C0342705, MONDO:0009238, OMIM 229050.

Allele frequency attached by ClinVar (database versions not stated): gnomAD exomes 0.00091; gnomAD 0.00108 and 0.00139; TOPMed 0.00189; 1000 Genomes Project 30x 0.00671; 1000 Genomes Project 0.00739.
gnomAD v4.1: 212 of 155,824 alleles (0.14%); highest among the groups gnomAD compares: East Asian, 3.2%; 3 homozygotes.

Submission:

Illumina Laboratory Services, Illumina
Classification: Benign for Congenital defect of folate absorption. Last evaluated: 2018-01-13. Review status: criteria provided, single submitter. Criteria: ICSL Variant Classification Criteria 13 December 2019. Collection method: clinical testing. Allele origin: germline.
Comment: This variant was observed in the ICSL laboratory as part of a predisposition screen in an ostensibly healthy population. It had not been previously curated by ICSL or reported in the Human Gene Mutation Database (HGMD: prior to June 1st, 2018), and was therefore a candidate for classification through an automated scoring system. Utilizing variant allele frequency, disease prevalence and penetrance estimates, and inheritance mode, an automated score was calculated to assess if this variant is too frequent to cause the disease. Based on the score and internal cut-off values, a variant classified as benign is not then subjected to further curation. The score for this variant resulted in a classification of benign for this disease.

NM_080669.6(SLC46A1):c.*2843G>A

Genes: SARM1 (sterile alpha and TIR motif containing 1; plus strand), SLC46A1 (solute carrier family 46 member 1; minus strand). Cytogenetic location: 17q11.2.
Variant type: single nucleotide variant.
Coding change: c.*2843G>A on transcript NM_080669.6 (MANE Select); 2843 bases downstream of the stop codon, G replaced by A.
Molecular consequence: 3 prime UTR variant.
Genome position (GRCh38, 1-based): chr17:28,396,813, C>T on the plus strand (G>A on the coding strand, the complement: SLC46A1 is on the minus strand). VCF-style: chr17-28396813-C-T. GRCh37 (hg19) VCF-style: chr17-26723832-C-T.
Other names: c.*527C>T (NM_015077.4); c.*2843G>A (NM_001242366.3).
Identifiers: ClinVar variation 322366 (VCV000322366.5), dbSNP rs118138669, ClinGen allele CA10648858.